The following is an entry in ClinVar:

NM_003482.4(KMT2D):c.3822T>G (p.Asp1274Glu)

Genes: KMT2D (lysine methyltransferase 2D; minus strand), LOC126861520 (CDK7 strongly-dependent group 2 enhancer GRCh37_chr12:49442744-49443943; plus strand). Cytogenetic location: 12q13.12.
Variant type: single nucleotide variant.
Coding change: c.3822T>G on transcript NM_003482.4 (MANE Select); coding-DNA position 3822, T replaced by G.
Protein change: p.Asp1274Glu; replaces aspartic acid 1274 with glutamic acid.
Molecular consequence: missense variant.
Genome position (GRCh38, 1-based): chr12:49,049,766, A>C on the plus strand (T>G on the coding strand, the complement: KMT2D is on the minus strand). VCF-style: chr12-49049766-A-C. GRCh37 (hg19) VCF-style: chr12-49443549-A-C.
Other names: short protein forms D1274E.
Identifiers: ClinVar variation 3344146 (VCV003344146.3).
Genomic context (GRCh38, chr12:49,049,766, plus strand): 5'-GGAGCTGCGCCGCCGCCCCTTCTCCCCCTCAGCTTTGCCTCCGCTGATAGCTGTCCCAGC[A>C]TCGCACAATAGTGAGTCATCAGTCTCTGGCAGTGAGTCAGTACAGAGCCGTAGGGAGCCC-3'
Protein context (NP_003473.3, residues 1264-1284): LPETDDSLLC[Asp1274Glu]AGTAISGGKA

ClinVar aggregate classification (germline): Benign. Review status: criteria provided, single submitter (1 of 4 stars). 2 submissions from 2 submitters: Benign (1). 1 of the submissions does not count toward it. Last evaluated 2024-12-11.

Conditions:
KMT2D-related disorder. Also called: KMT2D-Related Disorders.
Kabuki syndrome. Also called: NIIKAWA-KUROKI SYNDROME; Kabuki make-up syndrome. Identifiers: Orphanet 2322, MedGen C0796004, MONDO:0016512.

gnomAD v4.1: 29 of 1,612,432 alleles (0.0018%); highest among the groups gnomAD compares: Non-Finnish European, 0.0024%; no homozygotes.

Submissions (2):

Labcorp Genetics (formerly Invitae), Labcorp
Classification: Benign for Kabuki syndrome. Last evaluated: 2024-12-11. Review status: criteria provided, single submitter. Criteria: Invitae Variant Classification Sherloc (09022015). Collection method: clinical testing. Allele origin: germline.

PreventionGenetics, part of Exact Sciences
Classification: Likely benign for KMT2D-related condition. Last evaluated: 2024-06-19. Review status: no assertion criteria provided. Collection method: clinical testing. Allele origin: germline. Not counted in ClinVar's aggregate classification.
Comment: This variant is classified as likely benign based on ACMG/AMP sequence variant interpretation guidelines (Richards et al. 2015 PMID: 25741868, with internal and published modifications).